The following is an entry in ClinVar:

NM_032043.3(BRIP1):c.*3755A>G

Gene: BRIP1 (BRCA1 interacting DNA helicase 1; minus strand). Cytogenetic location: 17q23.2.
Variant type: single nucleotide variant.
Coding change: c.*3755A>G on transcript NM_032043.3 (MANE Select); 3755 bases downstream of the stop codon, A replaced by G.
Molecular consequence: 3 prime UTR variant.
Genome position (GRCh38, 1-based): chr17:61,679,541, T>C on the plus strand (A>G on the coding strand, the complement: BRIP1 is on the minus strand). VCF-style: chr17-61679541-T-C. GRCh37 (hg19) VCF-style: chr17-59756902-T-C.
Identifiers: ClinVar variation 889521 (VCV000889521.4), dbSNP rs183234058, ClinGen allele CA292265792.
Genomic context (GRCh38, chr17:61,679,541, plus strand): 5'-TCCTTGAATAAATTCAGTATTAGATAATTATTTCATATGCATTGAATGTGTCACATAAAT[T>C]ATTTGATAAACAATCTCTACCTTATACATCTCAAAAGCTTAAAAAATAAGCCAGCCAAAT-3'

ClinVar aggregate classification (germline): Likely benign (1 of 4 stars; one submission).

Conditions:
Fanconi anemia complementation group J. Also called: BRIP1-Related Fanconi Anemia. Identifiers: Orphanet 84, MedGen C1836860, MONDO:0012187, OMIM 609054.

Allele frequency attached by ClinVar (database versions not stated): gnomAD 0.00137 and 0.00149; TOPMed 0.00170; 1000 Genomes Project 0.00220; 1000 Genomes Project 30x 0.00250.
gnomAD v4.1: 207 of 152,296 alleles (0.14%); highest among the groups gnomAD compares: African/African-American, 0.46%; 1 homozygote.

Submission:

Illumina Laboratory Services, Illumina
Classification: Likely benign for Fanconi anemia complementation group J. Last evaluated: 2018-01-12. Review status: criteria provided, single submitter. Criteria: ICSL Variant Classification Criteria 13 December 2019. Collection method: clinical testing. Allele origin: germline.
Comment: This variant was observed in the ICSL laboratory as part of a predisposition screen in an ostensibly healthy population. It had not been previously curated by ICSL or reported in the Human Gene Mutation Database (HGMD: prior to June 1st, 2018), and was therefore a candidate for classification through an automated scoring system. Utilizing variant allele frequency, disease prevalence and penetrance estimates, and inheritance mode, an automated score was calculated to assess if this variant is too frequent to cause the disease. Based on the score and internal cut-off values, a variant classified as likely benign is not then subjected to further curation. The score for this variant resulted in a classification of likely benign for this disease.